The following is an entry in ClinVar:

ClinVar aggregate classification (germline): Uncertain significance (1 of 4 stars; one submission).

Conditions:
Gastrointestinal stromal tumor. Also called: Gastrointestinal stroma tumor; Gastrointestinal stromal tumor, somatic. Identifiers: Orphanet 44890, MedGen C0238198, MeSH D046152, MONDO:0011719, OMIM 606764, HP:0100723.
Pheochromocytoma/paraganglioma syndrome 4. Also called: CAROTID BODY TUMORS AND MULTIPLE EXTRAADRENAL PHEOCHROMOCYTOMAS; SDHB-Related Hereditary Paraganglioma-Pheochromocytoma Syndrome; PARAGANGLIOMA, FAMILIAL MALIGNANT; PARAGANGLIOMAS, HEREDITARY EXTRAADRENAL; PHEOCHROMOCYTOMA, FAMILIAL EXTRAADRENAL; Paragangliomas 4. Identifiers: Orphanet 29072, MedGen C1861848, MONDO:0007273, OMIM 115310.
Pheochromocytoma. Also called: MAX-Related Hereditary Paraganglioma-Pheochromocytoma Syndrome. Identifiers: Orphanet 29072, MedGen C0031511, MONDO:0008233, OMIM 171300, HP:0002666.

Submission:

Labcorp Genetics (formerly Invitae), Labcorp
Classification: Uncertain significance for Gastrointestinal stromal tumor; Pheochromocytoma/paraganglioma syndrome 4; Pheochromocytoma. Last evaluated: 2021-10-23. Review status: criteria provided, single submitter. Criteria: Invitae Variant Classification Sherloc (09022015). Collection method: clinical testing. Allele origin: germline.
Comment: In summary, the available evidence is currently insufficient to determine the role of this variant in disease. Therefore, it has been classified as a Variant of Uncertain Significance. This variant is not present in population databases (ExAC no frequency). This variant has not been reported in the literature in individuals affected with SDHB-related conditions. Advanced modeling of protein sequence and biophysical properties (such as structural, functional, and spatial information, amino acid conservation, physicochemical variation, residue mobility, and thermodynamic stability) performed at Invitae indicates that this missense variant is not expected to disrupt SDHB protein function. This sequence change replaces serine with alanine at codon 279 of the SDHB protein (p.Ser279Ala). The serine residue is weakly conserved and there is a moderate physicochemical difference between serine and alanine.

NM_003000.3(SDHB):c.835T>G (p.Ser279Ala)

Gene: SDHB (succinate dehydrogenase complex iron sulfur subunit B; minus strand). Cytogenetic location: 1p36.13.
Variant type: single nucleotide variant.
Coding change: c.835T>G on transcript NM_003000.3 (MANE Select); coding-DNA position 835, T replaced by G.
Protein change: p.Ser279Ala; replaces serine 279 with alanine.
Molecular consequence: missense variant.
Genome position (GRCh38, 1-based): chr1:17,018,889, A>C on the plus strand (T>G on the coding strand, the complement: SDHB is on the minus strand). VCF-style: chr1-17018889-A-C. GRCh37 (hg19) VCF-style: chr1-17345384-A-C.
Other names: short protein forms S279A.
Identifiers: ClinVar variation 1468479 (VCV001468479.6), dbSNP rs1275426951, ClinGen allele CA338268651.
Genomic context (GRCh38, chr1:17,018,889, plus strand): 5'-AAATTATGTTCAGCTCTGAGCTGGTTATAAATCATGTTTAGCATGGAAACAGTTAAACTG[A>C]AGCTTTCTTCTCCTTATAGGTTGCCATCATTTTCTTGATCTCTGCAATAGCTTTCCCTGG-3'
Protein context (NP_002991.2, residues 269-280): MMATYKEKKA[Ser279Ala]V